The following is an entry in ClinVar:

NM_001363540.2(DOCK4):c.5086C>G (p.Pro1696Ala)

Gene: DOCK4 (dedicator of cytokinesis 4; minus strand). Cytogenetic location: 7q31.1.
Variant type: single nucleotide variant.
Coding change: c.5086C>G on transcript NM_001363540.2 (MANE Select); coding-DNA position 5086, C replaced by G.
Protein change: p.Pro1696Ala; replaces proline 1696 with alanine.
Molecular consequence: missense variant.
Genome position (GRCh38, 1-based): chr7:111,739,432, G>C on the plus strand (C>G on the coding strand, the complement: DOCK4 is on the minus strand). VCF-style: chr7-111739432-G-C. GRCh37 (hg19) VCF-style: chr7-111379488-G-C.
Other names: c.5059C>G, p.Pro1687Ala (NM_014705.4); short protein forms P1687A, P1696A.
Identifiers: ClinVar variation 4984102 (VCV004984102.1).

ClinVar aggregate classification (germline): Uncertain significance (1 of 4 stars; one submission).

Conditions:
DOCK4-related disorder. Also called: DOCK4-related condition.

Submission:

PreventionGenetics, part of Exact Sciences
Classification: Uncertain significance for DOCK4-related condition. Last evaluated: 2026-04-14. Review status: criteria provided, single submitter. Criteria: ACMG Guidelines, 2015. Collection method: clinical testing. Allele origin: germline.
Comment: The DOCK4 c.5086C>G variant is predicted to result in the amino acid substitution p.Pro1696Ala. To our knowledge, this variant has not been reported in the literature or in a large population database (gnomAD), indicating this variant is rare. At this time, the clinical significance of this variant is uncertain due to the absence of conclusive functional and genetic evidence.